The following is an entry in ClinVar:

ClinVar aggregate classification (germline): Benign. Review status: criteria provided, multiple submitters, no conflicts (2 of 4 stars). 2 submissions from 2 submitters: Benign (2). Last evaluated 2026-01-18.

Allele frequency attached by ClinVar (database versions not stated): gnomAD exomes 0.00047 and 0.00138; ExAC 0.00168; gnomAD 0.00501 and 0.00540; TOPMed 0.00577; 1000 Genomes Project 30x 0.00609; 1000 Genomes Project 0.00639; ESP Exome Variant Server 0.00669.
gnomAD v4.1: 1,490 of 1,614,142 alleles (0.092%); highest among the groups gnomAD compares: African/African-American, 1.7%; 12 homozygotes.

Submissions (2):

Labcorp Genetics (formerly Invitae), Labcorp
Classification: Benign. Last evaluated: 2026-01-18. Review status: criteria provided, single submitter. Criteria: Invitae Variant Classification Sherloc (09022015). Collection method: clinical testing. Allele origin: germline.

Mayo Clinic Laboratories, Mayo Clinic
Classification: Benign. Last evaluated: 2024-02-22. Review status: criteria provided, single submitter. Criteria: ACMG Guidelines, 2015. Collection method: clinical testing. Allele origin: germline. Observed: 3 variant alleles.
Comment: BS1, BS2, BP4

NM_001256071.3(RNF213):c.6289G>A (p.Val2097Ile)

Gene: RNF213 (ring finger protein 213; plus strand). Cytogenetic location: 17q25.3.
Variant type: single nucleotide variant.
Coding change: c.6289G>A on transcript NM_001256071.3 (MANE Select); coding-DNA position 6289, G replaced by A.
Protein change: p.Val2097Ile; replaces valine 2097 with isoleucine.
Molecular consequence: missense variant.
Genome position (GRCh38, 1-based): chr17:80,343,962, G>A. VCF-style: chr17-80343962-G-A. GRCh37 (hg19) VCF-style: chr17-78317762-G-A.
Other names: p.Val2097Ile; short protein forms V2097I.
Identifiers: ClinVar variation 709951 (VCV000709951.10), dbSNP rs114333705, ClinGen allele CA8820496.
Genomic context (GRCh38, chr17:80,343,962, plus strand): 5'-CAATACTTAATGGATATAAATGGGAAAATGTGGCTTCGGAACCCCTGCCATTTGTATATC[G>A]TTGAAATCCTGGAAAGGAGGACGTCAGTGCCGTCGAGGAGCTCTTCAGCGCTGGTCTGTA-3'
Protein context (NP_001243000.2, residues 2087-2107): WLRNPCHLYI[Val2097Ile]EILERRTSVP